The following is an entry in ClinVar:

ClinVar aggregate classification (germline): Likely pathogenic (1 of 4 stars; one submission).

Conditions:
Autosomal recessive Alport syndrome (ATS2). Also called: COL4A4 Alport Syndrome and Thin Basement Membrane Nephropathy; Alport syndrome type 2; ALPORT SYNDROME 2, AUTOSOMAL RECESSIVE; COL4A3-Related Nephropathy. Identifiers: Orphanet 63, Orphanet 88919, MedGen C4746745, MONDO:0008762, OMIM 203780.

gnomAD v4.1: 1 of 1,613,848 alleles (0.000062%); highest among the groups gnomAD compares: Non-Finnish European, 0.000085%; no homozygotes.

Submission:

Women's Health and Genetics/Laboratory Corporation of America, LabCorp
Classification: Likely pathogenic for Autosomal recessive Alport syndrome. Last evaluated: 2023-02-27. Review status: criteria provided, single submitter. Criteria: LabCorp Variant Classification Summary - May 2015. Collection method: clinical testing. Allele origin: germline.
Comment: Variant summary: COL4A3 c.3212G>C (p.Gly1071Ala) results in a non-conservative amino acid change located in the Collagen triple helix repeat of the encoded protein sequence. Alterations of glycine residues within the collagen triple-helix are common mechanisms of disease. Five of five in-silico tools predict a damaging effect of the variant on protein function. The variant was absent in 249502 control chromosomes. The available data on variant occurrences in the general population are insufficient to allow any conclusion about variant significance. To our knowledge, no occurrence of c.3212G>C in individuals affected with Alport Syndrome, Autosomal Recessive and no experimental evidence demonstrating its impact on protein function have been reported. No clinical diagnostic laboratories have submitted clinical-significance assessments for this variant to ClinVar after 2014. However, other variants involving glycine residues in this region have been reported in ClinVar or HGMD (e.g. p.Gly1048Arg, p.Gly1071Glu, p.Gly1077Asp). Based on the evidence outlined above, the variant was classified as likely pathogenic.

NM_000091.5(COL4A3):c.3212G>C (p.Gly1071Ala)

Genes: COL4A3 (collagen type IV alpha 3 chain; plus strand), MFF-DT (MFF divergent transcript; minus strand). Cytogenetic location: 2q36.3.
Variant type: single nucleotide variant.
Coding change: c.3212G>C on transcript NM_000091.5 (MANE Select); coding-DNA position 3212, G replaced by C.
Protein change: p.Gly1071Ala; replaces glycine 1071 with alanine.
Molecular consequence: missense variant.
Genome position (GRCh38, 1-based): chr2:227,293,192, G>C. VCF-style: chr2-227293192-G-C. GRCh37 (hg19) VCF-style: chr2-228157908-G-C.
Other names: short protein forms G1071A.
Identifiers: ClinVar variation 2445682 (VCV002445682.1), dbSNP rs765128550, ClinGen allele CA350857095.